The following is an entry in ClinVar:

ClinVar aggregate classification (germline): Pathogenic (1 of 4 stars; one submission).

Submission:

Labcorp Genetics (formerly Invitae), Labcorp
Classification: Pathogenic. Last evaluated: 2024-02-12. Review status: criteria provided, single submitter. Criteria: Invitae Variant Classification Sherloc (09022015). Collection method: clinical testing. Allele origin: germline.
Comment: This sequence change creates a premature translational stop signal (p.Trp9Glyfs*124) in the ADAMTSL4 gene. It is expected to result in an absent or disrupted protein product. Loss-of-function variants in ADAMTSL4 are known to be pathogenic (PMID: 20564469, 28642162). This variant is not present in population databases (gnomAD no frequency). This variant has not been reported in the literature in individuals affected with ADAMTSL4-related conditions. For these reasons, this variant has been classified as Pathogenic.

Literature cited by the submitters: PubMed 20564469; PubMed 28642162.

NM_019032.6(ADAMTSL4):c.25del (p.Trp9fs)

Genes: ADAMTSL4 (ADAMTS like 4; plus strand), ADAMTSL4-AS2 (ADAMTSL4 antisense RNA 2; minus strand). Cytogenetic location: 1q21.2.
Variant type: Deletion.
Coding change: c.25del on transcript NM_019032.6 (MANE Select); coding-DNA position 25, one base deleted (T; older notation c.25delT).
Protein change: p.Trp9fs; shifts the reading frame from tryptophan 9.
Molecular consequence: frameshift variant.
Genome position (GRCh38, 1-based): chr1:150,552,547, T deleted. VCF-style (leftmost placement, unchanged base first): chr1-150552546-CT-C. GRCh37 (hg19) VCF-style: chr1-150525022-CT-C.
Other names: c.25del, p.Trp9fs (NM_001288607.2, NM_001288608.2, NM_001378596.1 and 1 more transcripts); short protein forms W9fs.
Identifiers: ClinVar variation 3640337 (VCV003640337.2).